The following is an entry in ClinVar:

ClinVar aggregate classification (germline): Affects (0 of 4 stars; one submission).

Conditions:
serologic weak D phenotype.

Submission:

Laboratory Services Section, National Institutes of Health
Classification: Affects for serologic weak D phenotype. Last evaluated: 2020-09-04. Review status: no assertion criteria provided. Collection method: clinical testing. Allele origin: germline. Inheritance: Autosomal recessive inheritance. Affected: yes. Observed: 1 compound heterozygote.
Comment: The potential of anti-D immunization for the novel NG_007494.1(RHD):c.611T>A allele is unknown.

Literature cited by the submitters: DOI 10.1111/j.1537-2995.2006.00902.x.

NM_016124.6(RHD):c.611T>A (p.Ile204Lys)

Genes: RHD (Rh blood group D antigen; plus strand), RSRP1 (arginine and serine rich protein 1; minus strand). Cytogenetic location: 1p36.11.
Variant type: single nucleotide variant.
Coding change: c.611T>A on transcript NM_016124.6 (MANE Select); coding-DNA position 611, T replaced by A.
Protein change: p.Ile204Lys; replaces isoleucine 204 with lysine.
Molecular consequence: missense variant. On other transcripts: intron variant (1).
Genome position (GRCh38, 1-based): chr1:25,301,070, T>A. VCF-style: chr1-25301070-T-A. GRCh37 (hg19) VCF-style: chr1-25627561-T-A.
Other names: c.611T>A, p.Ile204Lys (NM_001127691.3, NM_001282868.1, NM_001282869.2 and 3 more transcripts); c.113T>A, p.Ile38Lys (NM_001282867.1); c.-67+35970A>T (NM_001321772.2); short protein forms I204K, I38K.
Identifiers: ClinVar variation 1299855 (VCV001299855.4), dbSNP rs2124674196, ClinGen allele CA339060015.